The following is an entry in ClinVar:

ClinVar aggregate classification (germline): Uncertain significance (1 of 4 stars; one submission).

Allele frequency attached by ClinVar (database versions not stated): gnomAD 0.00001.
gnomAD v4.1: 1 of 1,613,046 alleles (0.000062%); highest among the groups gnomAD compares: African/African-American, 0.0013%; no homozygotes.

Submission:

Labcorp Genetics (formerly Invitae), Labcorp
Classification: Uncertain significance. Last evaluated: 2022-07-11. Review status: criteria provided, single submitter. Criteria: Invitae Variant Classification Sherloc (09022015). Collection method: clinical testing. Allele origin: germline.
Comment: ClinVar contains an entry for this variant (Variation ID: 956845). This sequence change replaces threonine, which is neutral and polar, with serine, which is neutral and polar, at codon 168 of the PDE6B protein (p.Thr168Ser). This variant is not present in population databases (gnomAD no frequency). This variant has not been reported in the literature in individuals affected with PDE6B-related conditions. Algorithms developed to predict the effect of missense changes on protein structure and function are either unavailable or do not agree on the potential impact of this missense change (SIFT: "Deleterious"; PolyPhen-2: "Probably Damaging"; Align-GVGD: "Class C0"). In summary, the available evidence is currently insufficient to determine the role of this variant in disease. Therefore, it has been classified as a Variant of Uncertain Significance.

NM_000283.4(PDE6B):c.502A>T (p.Thr168Ser)

Gene: PDE6B (phosphodiesterase 6B; plus strand). Cytogenetic location: 4p16.3.
Variant type: single nucleotide variant.
Coding change: c.502A>T on transcript NM_000283.4 (MANE Select); coding-DNA position 502, A replaced by T.
Protein change: p.Thr168Ser; replaces threonine 168 with serine.
Molecular consequence: missense variant.
Genome position (GRCh38, 1-based): chr4:634,710, A>T. VCF-style: chr4-634710-A-T. GRCh37 (hg19) VCF-style: chr4-628499-A-T.
Other names: c.502A>T, p.Thr168Ser (NM_001145291.2); short protein forms T168S.
Identifiers: ClinVar variation 956845 (VCV000956845.9), dbSNP rs1734559404, ClinGen allele CA355908160.